The following is an entry in ClinVar:

NM_000384.3(APOB):c.4133C>G (p.Thr1378Ser)

Gene: APOB (apolipoprotein B; minus strand). Cytogenetic location: 2p24.1.
Variant type: single nucleotide variant.
Coding change: c.4133C>G on transcript NM_000384.3 (MANE Select); coding-DNA position 4133, C replaced by G.
Protein change: p.Thr1378Ser; replaces threonine 1378 with serine.
Molecular consequence: missense variant.
Genome position (GRCh38, 1-based): chr2:21,013,243, G>C on the plus strand (C>G on the coding strand, the complement: APOB is on the minus strand). VCF-style: chr2-21013243-G-C. GRCh37 (hg19) VCF-style: chr2-21236115-G-C.
Other names: short protein forms T1378S.
Identifiers: ClinVar variation 3753603 (VCV003753603.2).

ClinVar aggregate classification (germline): Uncertain significance (1 of 4 stars; one submission).

Conditions:
Familial hypobetalipoproteinemia 1. Also called: APOB-Related Familial Hypobetalipoproteinemia; Hypobetalipoproteinemia, normotriglyceridemic; Acanthocytosis with hypobetalipoproteinemia. Identifiers: MedGen C4551990, MONDO:0014252, OMIM 615558.
Hypercholesterolemia, autosomal dominant, type B (FHCL2). Also called: Familial Hypercholesterolemia Type B; APOLIPOPROTEIN B-100, FAMILIAL DEFECTIVE; APOLIPOPROTEIN B-100, FAMILIAL LIGAND-DEFECTIVE; HYPERCHOLESTEROLEMIA, FAMILIAL, DUE TO LIGAND-DEFECTIVE APOLIPOPROTEIN B; Hyperlipoproteinemia Type IIb; Familial hypercholesterolemia 2. Identifiers: MedGen C1704417, MONDO:0007751, OMIM 144010.

Submission:

Labcorp Genetics (formerly Invitae), Labcorp
Classification: Uncertain significance for Familial hypobetalipoproteinemia 1; Hypercholesterolemia, autosomal dominant, type B. Last evaluated: 2024-12-04. Review status: criteria provided, single submitter. Criteria: Invitae Variant Classification Sherloc (09022015). Collection method: clinical testing. Allele origin: germline.
Comment: This sequence change replaces threonine, which is neutral and polar, with serine, which is neutral and polar, at codon 1378 of the APOB protein (p.Thr1378Ser). This variant is not present in population databases (gnomAD no frequency). This variant has not been reported in the literature in individuals affected with APOB-related conditions. Invitae Evidence Modeling of protein sequence and biophysical properties (such as structural, functional, and spatial information, amino acid conservation, physicochemical variation, residue mobility, and thermodynamic stability) indicates that this missense variant is not expected to disrupt APOB protein function with a negative predictive value of 95%. In summary, the available evidence is currently insufficient to determine the role of this variant in disease. Therefore, it has been classified as a Variant of Uncertain Significance.